The following is an entry in ClinVar:

NM_015726.4(DCAF8):c.297AGAGGA[2] (p.Glu111_Glu112del)

Gene: DCAF8 (DDB1 and CUL4 associated factor 8; minus strand). Cytogenetic location: 1q23.2.
Variant type: Microsatellite.
Coding change: c.297AGAGGA[2] on transcript NM_015726.4 (MANE Select); two copies in a row of the 6-base unit AGAGGA starting at c.297; the reference has three copies in a row; one copy, 6 bases deleted.
Protein change: p.Glu111_Glu112del.
Molecular consequence: inframe deletion. On other transcripts: non-coding transcript variant (4).
Genome position (GRCh38, 1-based): chr1:160,240,106-160,240,111, TCCTCT deleted on the plus strand (AGAGGA on the coding strand, the reverse complement: DCAF8 is on the minus strand); deleting any 6 consecutive bases within chr1:160,240,106-160,240,123 gives the same sequence; the position shown is the placement nearest the transcript's 3' end. VCF-style (leftmost placement, unchanged base first): chr1-160240105-CTCCTCT-C. GRCh37 (hg19) VCF-style: chr1-160209895-CTCCTCT-C.
Identifiers: ClinVar variation 1284410 (VCV001284410.28), dbSNP rs745776382, ClinGen allele CA1196982.

ClinVar aggregate classification (germline): Benign/Likely benign. Review status: criteria provided, multiple submitters, no conflicts (2 of 4 stars). 4 submissions from 4 submitters: Benign (1); Likely benign (1). 2 of the submissions do not count toward it. Last evaluated 2024-10-21.

Submissions (4):

Blueprint Genetics
Classification: Likely benign. Last evaluated: 2024-10-21. Review status: criteria provided, single submitter. Criteria: ACMG Guidelines, 2015. Collection method: clinical testing. Allele origin: germline.

CeGaT Center for Human Genetics Tuebingen
Classification: Benign. Last evaluated: 2024-03-01. Review status: criteria provided, single submitter. Criteria: CeGaT Center For Human Genetics Tuebingen Variant Classification Criteria Version 2. Collection method: clinical testing. Allele origin: germline. Affected: yes. Observed: 3 variant alleles.
Comment: DCAF8: BS1, BS2

Clinical Genetics, Academic Medical Center
Classification: Benign. Review status: no assertion criteria provided. Collection method: clinical testing. Allele origin: germline. Affected: yes. Study: VKGL Data-share Consensus. Not counted in ClinVar's aggregate classification.

Diagnostic Laboratory, Department of Genetics, University Medical Center Groningen
Classification: Likely benign. Review status: no assertion criteria provided. Collection method: clinical testing. Allele origin: germline. Affected: yes. Study: VKGL Data-share Consensus. Not counted in ClinVar's aggregate classification.